The following is an entry in ClinVar:

NM_017654.4(SAMD9):c.2641G>A (p.Asp881Asn)

Gene: SAMD9 (sterile alpha motif domain containing 9; minus strand). Cytogenetic location: 7q21.2.
Variant type: single nucleotide variant.
Coding change: c.2641G>A on transcript NM_017654.4 (MANE Select); coding-DNA position 2641, G replaced by A.
Protein change: p.Asp881Asn; replaces aspartic acid 881 with asparagine.
Molecular consequence: missense variant.
Genome position (GRCh38, 1-based): chr7:93,103,457, C>T on the plus strand (G>A on the coding strand, the complement: SAMD9 is on the minus strand). VCF-style: chr7-93103457-C-T. GRCh37 (hg19) VCF-style: chr7-92732770-C-T.
Other names: c.2641G>A, p.Asp881Asn (NM_001193307.2); short protein forms D881N.
Identifiers: ClinVar variation 2893962 (VCV002893962.4), dbSNP rs868542397, ClinGen allele CA161991413.

ClinVar aggregate classification (germline): Uncertain significance. Review status: criteria provided, multiple submitters, no conflicts (2 of 4 stars). 2 submissions from 2 submitters: Uncertain significance (2). Last evaluated 2024-01-29.

Conditions:
Normophosphatemic familial tumoral calcinosis. Also called: CALCINOSIS, TUMORAL, WITH NORMOPHOSPHATEMIA. Identifiers: Orphanet 306658, Orphanet 53715, MedGen C1864861, MONDO:0012502, OMIM 610455.
Monosomy 7 myelodysplasia and leukemia syndrome 2. Identifiers: MedGen C5436668, MONDO:0030801, OMIM 619041.
MIRAGE syndrome. Also called: MYELODYSPLASIA, INFECTION, RESTRICTION OF GROWTH, ADRENAL HYPOPLASIA, GENITAL PHENOTYPES, AND ENTEROPATHY. Identifiers: Orphanet 494433, MedGen C4284088, MONDO:0014888, OMIM 617053.

Submissions (2):

Fulgent Genetics
Classification: Uncertain significance for Normophosphatemic familial tumoral calcinosis; MIRAGE syndrome; Monosomy 7 myelodysplasia and leukemia syndrome 2. Last evaluated: 2024-01-29. Review status: criteria provided, single submitter. Criteria: ACMG Guidelines, 2015. Collection method: clinical testing. Allele origin: germline.

Labcorp Genetics (formerly Invitae), Labcorp
Classification: Uncertain significance. Last evaluated: 2023-02-22. Review status: criteria provided, single submitter. Criteria: Invitae Variant Classification Sherloc (09022015). Collection method: clinical testing. Allele origin: germline.
Comment: This variant has not been reported in the literature in individuals affected with SAMD9-related conditions. This variant is not present in population databases (gnomAD no frequency). This sequence change replaces aspartic acid, which is acidic and polar, with asparagine, which is neutral and polar, at codon 881 of the SAMD9 protein (p.Asp881Asn). In summary, the available evidence is currently insufficient to determine the role of this variant in disease. Therefore, it has been classified as a Variant of Uncertain Significance. Advanced modeling of protein sequence and biophysical properties (such as structural, functional, and spatial information, amino acid conservation, physicochemical variation, residue mobility, and thermodynamic stability) performed at Invitae indicates that this missense variant is not expected to disrupt SAMD9 protein function.